The following is an entry in ClinVar:

ClinVar aggregate classification (germline): Uncertain significance (1 of 4 stars; one submission).

Allele frequency attached by ClinVar (database versions not stated): gnomAD 0.00001; gnomAD exomes 0.00003; TOPMed 0.00003; ExAC 0.00005; ESP Exome Variant Server 0.00022.
gnomAD v4.1: 38 of 1,551,440 alleles (0.0024%); highest among the groups gnomAD compares: Non-Finnish European, 0.0016%; 1 homozygote.

Submission:

CeGaT Center for Human Genetics Tuebingen
Classification: Uncertain significance. Last evaluated: 2023-11-01. Review status: criteria provided, single submitter. Criteria: CeGaT Center For Human Genetics Tuebingen Variant Classification Criteria Version 2. Collection method: clinical testing. Allele origin: germline. Affected: yes. Observed: 1 variant allele.
Comment: DNHD1: PM2, BP4

NM_144666.3(DNHD1):c.8006C>G (p.Ala2669Gly)

Gene: DNHD1 (dynein heavy chain domain 1; plus strand). Cytogenetic location: 11p15.4.
Variant type: single nucleotide variant.
Coding change: c.8006C>G on transcript NM_144666.3 (MANE Select); coding-DNA position 8006, C replaced by G.
Protein change: p.Ala2669Gly; replaces alanine 2669 with glycine.
Molecular consequence: missense variant.
Genome position (GRCh38, 1-based): chr11:6,557,301, C>G. VCF-style: chr11-6557301-C-G. GRCh37 (hg19) VCF-style: chr11-6578531-C-G.
Other names: short protein forms A2669G.
Identifiers: ClinVar variation 2672456 (VCV002672456.23), dbSNP rs372646963, ClinGen allele CA5856278.
Genomic context (GRCh38, chr11:6,557,301, plus strand): 5'-ATGAGGCACAGAGAACCTTTTGCGACCGGCTGGACAGCCCCAGGGAACGCTCCTACTGTG[C>G]CAAGCTGCTCCTAGTAGTAGCTCAAAGTGTCTTCTGCTGTGGGCCAGGGCCCCAGCACCT-3'
Protein context (NP_653267.2, residues 2659-2679): LDSPRERSYC[Ala2669Gly]KLLLVVAQSV